The following is an entry in ClinVar:

ClinVar aggregate classification (germline): Uncertain significance (1 of 4 stars; one submission).

gnomAD v4.1: 11 of 1,606,524 alleles (0.00068%); highest among the groups gnomAD compares: Non-Finnish European, 0.00076%; no homozygotes.

Submission:

Labcorp Genetics (formerly Invitae), Labcorp
Classification: Uncertain significance. Last evaluated: 2026-01-06. Review status: criteria provided, single submitter. Criteria: Invitae Variant Classification Sherloc (09022015). Collection method: clinical testing. Allele origin: germline.
Comment: This sequence change replaces threonine, which is neutral and polar, with isoleucine, which is neutral and non-polar, at codon 30 of the ATP6V1A protein (p.Thr30Ile). This variant is present in population databases (no rsID available, gnomAD 0.006%). This variant has not been reported in the literature in individuals affected with ATP6V1A-related conditions. ClinVar contains an entry for this variant (Variation ID: 3631964). Invitae Evidence Modeling of protein sequence and biophysical properties (such as structural, functional, and spatial information, amino acid conservation, physicochemical variation, residue mobility, and thermodynamic stability) indicates that this missense variant is not expected to disrupt ATP6V1A protein function with a negative predictive value of 80%. In summary, the available evidence is currently insufficient to determine the role of this variant in disease. Therefore, it has been classified as a Variant of Uncertain Significance.

NM_001690.4(ATP6V1A):c.89C>T (p.Thr30Ile)

Gene: ATP6V1A (ATPase H+ transporting V1 subunit A; plus strand). Cytogenetic location: 3q13.31.
Variant type: single nucleotide variant.
Coding change: c.89C>T on transcript NM_001690.4 (MANE Select); coding-DNA position 89, C replaced by T.
Protein change: p.Thr30Ile; replaces threonine 30 with isoleucine.
Molecular consequence: missense variant.
Genome position (GRCh38, 1-based): chr3:113,781,056, C>T. VCF-style: chr3-113781056-C-T. GRCh37 (hg19) VCF-style: chr3-113499903-C-T.
Other names: short protein forms T30I.
Identifiers: ClinVar variation 3631964 (VCV003631964.2).